The following is an entry in ClinVar:

NM_145046.5(CALR3):c.483C>A (p.Ile161=)

Gene: CALR3 (calreticulin 3; minus strand). Cytogenetic location: 19p13.11.
Variant type: single nucleotide variant.
Coding change: c.483C>A on transcript NM_145046.5 (MANE Select); coding-DNA position 483, C replaced by A.
Protein change: p.Ile161=; no amino-acid change (isoleucine 161 retained).
Molecular consequence: synonymous variant.
Genome position (GRCh38, 1-based): chr19:16,485,172, G>T on the plus strand (C>A on the coding strand, the complement: CALR3 is on the minus strand). VCF-style: chr19-16485172-G-T. GRCh37 (hg19) VCF-style: chr19-16595983-G-T.
Identifiers: ClinVar variation 241951 (VCV000241951.20), dbSNP rs143158265, ClinGen allele CA9278404.

ClinVar aggregate classification (germline): Benign. Review status: criteria provided, multiple submitters, no conflicts (2 of 4 stars). 8 submissions from 8 submitters: Benign (4). 4 of the submissions do not count toward it. Last evaluated 2025-12-29.

Conditions:
CALR3-related disorder. Also called: CALR3-related condition.
Hypertrophic cardiomyopathy 19. Also called: Familial hypertrophic cardiomyopathy 19. Identifiers: MedGen CN077603, MONDO:0013476.

Allele frequency attached by ClinVar (database versions not stated): TOPMed 0.00035; 1000 Genomes Project 30x 0.00047; ESP Exome Variant Server 0.00054; 1000 Genomes Project 0.00060; gnomAD 0.00180 and 0.00190; ExAC 0.00185; gnomAD exomes 0.00211.
gnomAD v4.1: 1,784 of 1,596,318 alleles (0.11%); highest among the groups gnomAD compares: Non-Finnish European, 0.05%; 12 homozygotes.

Submissions (8):

Labcorp Genetics (formerly Invitae), Labcorp
Classification: Benign for Hypertrophic cardiomyopathy 19. Last evaluated: 2025-12-29. Review status: criteria provided, single submitter. Criteria: Invitae Variant Classification Sherloc (09022015). Collection method: clinical testing. Allele origin: germline.

Blueprint Genetics
Classification: Benign. Last evaluated: 2024-11-21. Review status: criteria provided, single submitter. Criteria: ACMG Guidelines, 2015. Collection method: clinical testing. Allele origin: germline.

Women's Health and Genetics/Laboratory Corporation of America, LabCorp
Classification: Benign. Last evaluated: 2017-08-22. Review status: criteria provided, single submitter. Criteria: LabCorp Variant Classification Summary - May 2015. Collection method: clinical testing. Allele origin: germline.
Comment: Variant summary: The CALR3 c.483C>A (p.Ile161Ile) variant involves the alteration of a conserved nucleotide, resulting in a synonymous change. One in silico tool predicts a damaging outcome for this variant. 5/5 splice prediction tools predict no significant impact on normal splicing. ESE finder predicts that this variant may affect ESE site of SF2/ASF. However, these predictions have yet to be confirmed by functional studies. This variant was found in 209/112688 control chromosomes (1 homozygote) from ExAC, predominantly observed in the European (Finnish) subpopulation at a frequency of 0.01888 (122/6462). This frequency is about 755 times the estimated maximal expected allele frequency of a pathogenic CALR3 variant (0.000025), suggesting this is likely a benign polymorphism found primarily in the populations of European (Finnish) origin. One clinical diagnostic laboratory has classified this variant as benign. To our knowledge, the variant has not been reported in affected individuals in literature. Taken together, this variant is classified as benign.

Clinical Genetics DNA and cytogenetics Diagnostics Lab, Erasmus MC, Erasmus Medical Center
Classification: Benign for Hypertrophic cardiomyopathy 1. Last evaluated: 2017-06-28. Review status: criteria provided, single submitter. Criteria: ACGS Guidelines, 2013. Collection method: clinical testing. Allele origin: germline. Affected: yes. Study: VKGL Data-share Consensus.

PreventionGenetics, part of Exact Sciences
Classification: Benign for CALR3-related condition. Last evaluated: 2019-05-08. Review status: no assertion criteria provided. Collection method: clinical testing. Allele origin: germline. Not counted in ClinVar's aggregate classification.
Comment: This variant is classified as benign based on ACMG/AMP sequence variant interpretation guidelines (Richards et al. 2015 PMID: 25741868, with internal and published modifications).

Clinical Genetics, Academic Medical Center
Classification: Benign. Review status: no assertion criteria provided. Collection method: clinical testing. Allele origin: germline. Affected: yes. Study: VKGL Data-share Consensus. Not counted in ClinVar's aggregate classification.

Genome Diagnostics Laboratory, University Medical Center Utrecht
Classification: Benign. Review status: no assertion criteria provided. Collection method: clinical testing. Allele origin: germline. Affected: yes. Study: VKGL Data-share Consensus. Not counted in ClinVar's aggregate classification.

Joint Genome Diagnostic Labs from Nijmegen and Maastricht, Radboudumc and MUMC+
Classification: Benign. Review status: no assertion criteria provided. Collection method: clinical testing. Allele origin: germline. Affected: yes. Study: VKGL Data-share Consensus. Not counted in ClinVar's aggregate classification.